The following is an entry in ClinVar:

ClinVar aggregate classification (germline): Pathogenic (1 of 4 stars; one submission).

Conditions:
Cohen syndrome (COH1). Also called: PEPPER SYNDROME; Cutis verticis gyrata, retinitis pigmentosa, and sensorineural deafness. Identifiers: Orphanet 193, MedGen C0265223, MONDO:0008999, OMIM 216550.

Allele frequency attached by ClinVar (database versions not stated): gnomAD exomes 0.00005.

Submission:

Labcorp Genetics (formerly Invitae), Labcorp
Classification: Pathogenic for Cohen syndrome. Last evaluated: 2022-11-15. Review status: criteria provided, single submitter. Criteria: Invitae Variant Classification Sherloc (09022015). Collection method: clinical testing. Allele origin: germline.
Comment: For these reasons, this variant has been classified as Pathogenic. Studies have shown that disruption of this splice site results in activation of a cryptic splice site and introduces a premature termination codon (PMID: 15154116, 19190672). The resulting mRNA is expected to undergo nonsense-mediated decay. ClinVar contains an entry for this variant (Variation ID: 1488673). Disruption of this splice site has been observed in individuals with Cohen syndrome (PMID: 15154116, 19190672). The frequency data for this variant in the population databases is considered unreliable, as metrics indicate poor data quality at this position in the gnomAD database. This sequence change affects an acceptor splice site in intron 51 of the VPS13B gene. RNA analysis indicates that disruption of this splice site induces altered splicing and may result in an absent or disrupted protein product.

Literature cited by the submitters: PubMed 15154116; PubMed 19190672.

NM_152564.5(VPS13B):c.9331-2A>G

Gene: VPS13B (vacuolar protein sorting 13 homolog B; plus strand). Cytogenetic location: 8q22.2.
Variant type: single nucleotide variant.
Coding change: c.9331-2A>G on transcript NM_152564.5 (MANE Select); the canonical splice acceptor site of the intron before coding-DNA position 9331, A replaced by G.
Molecular consequence: splice acceptor variant.
Genome position (GRCh38, 1-based): chr8:99,832,367, A>G. VCF-style: chr8-99832367-A-G. GRCh37 (hg19) VCF-style: chr8-100844595-A-G.
Other names: c.9406-2A>G (NM_017890.5).
Identifiers: ClinVar variation 1488673 (VCV001488673.6), dbSNP rs74485751, ClinGen allele CA371781024.